The following is an entry in ClinVar:

NC_000017.11:g.37745116G>A

Gene: HNF1B (HNF1 homeobox B; minus strand). Cytogenetic location: 17q12.
Variant type: single nucleotide variant.
Genome position: GRCh38 VCF-style: chr17-37745116-G-A. GRCh37 (hg19) VCF-style: chr17-36105107-G-A.
Identifiers: ClinVar variation 369145 (VCV000369145.6), dbSNP rs142612536, ClinGen allele CA10654550.

ClinVar aggregate classification (germline): Likely benign (1 of 4 stars; one submission).

Conditions:
Maturity-onset diabetes of the young (MODY). Also called: Maturity onset diabetes mellitus in young. Identifiers: Orphanet 552, MedGen C0342276, MONDO:0018911, HP:0004904.

Allele frequency attached by ClinVar (database versions not stated): gnomAD exomes 0.00009; gnomAD 0.00015; TOPMed 0.00015; 1000 Genomes Project 30x 0.00047; 1000 Genomes Project 0.00060.

Submission:

Clinical Genomics, Uppaluri K&H Personalized Medicine Clinic
Classification: Likely benign for Maturity-onset diabetes of the young. Review status: criteria provided, single submitter. Criteria: K & H Uppaluri Personalized Medicine Clinic Variant Classification & Assertion Criteria_Updated V.1. Collection method: research. Allele origin: unknown. Inheritance: Autosomal dominant inheritance.
Comment: HNF1B gene mutations are associated with early onset diabetes and pancreatic atrophy. It is also associated with multiple renal manifestations including renal cysts, Tubulointerstitial disease, glomerulocystic disease, renal hypoplasia, hypomagnesemia. However no sufficient evidence is found to ascertain the role of this particular variant rs142612536, yet.

Literature cited by the submitters: PubMed 24897035; PubMed 25536396; PubMed 27615128; PubMed 28215227; PubMed 33434175; PubMed 25741167; PubMed 26340261; PubMed 19639018.